The following is an entry in ClinVar:

NM_000426.4(LAMA2):c.2749+1G>C

Gene: LAMA2 (laminin subunit alpha 2; plus strand). Cytogenetic location: 6q22.33.
Variant type: single nucleotide variant.
Coding change: c.2749+1G>C on transcript NM_000426.4 (MANE Select); the canonical splice donor site of the intron after coding-DNA position 2749, G replaced by C.
Molecular consequence: splice donor variant.
Genome position (GRCh38, 1-based): chr6:129,288,059, G>C. VCF-style: chr6-129288059-G-C. GRCh37 (hg19) VCF-style: chr6-129609204-G-C.
Other names: c.2749+1G>C (NM_001079823.2).
Identifiers: ClinVar variation 194920 (VCV000194920.22), dbSNP rs759555791, ClinGen allele CA275053.
Genomic context (GRCh38, chr6:129,288,059, plus strand): 5'-ACTGTGAGCTCTGTGCTGATGGATATTTTGGAGATGCAGTTGATGCGAAGAACTGTCAGC[G>C]TAAGTCCTGAACTATTGATGCCCCTGACAGAATTGATGTATTGTACCTCAAAGTAGCTGA-3'

ClinVar aggregate classification (germline): Pathogenic/Likely pathogenic. Review status: criteria provided, multiple submitters, no conflicts (2 of 4 stars). 5 submissions from 5 submitters: Pathogenic (3); Likely pathogenic (1). 1 of the submissions does not count toward it. Last evaluated 2024-05-22.

Conditions:
LAMA2-related muscular dystrophy (LAMA2-RD). Also called: Laminin alpha 2-related dystrophy. Identifiers: MedGen C5679788, MONDO:0100228.
Merosin deficient congenital muscular dystrophy (MDC1A). Also called: Congenital merosin-deficient muscular dystrophy 1A; Congenital Muscular Dystrophy Type 1A (MDC1A). Identifiers: Orphanet 258, MedGen C1263858, MONDO:0011925, OMIM 607855.

Allele frequency attached by ClinVar (database versions not stated): gnomAD 0.00001.
gnomAD v4.1: 4 of 1,612,684 alleles (0.00025%); highest among the groups gnomAD compares: Non-Finnish European, 0.00034%; no homozygotes.

Submissions (5):

Women's Health and Genetics/Laboratory Corporation of America, LabCorp
Classification: Likely pathogenic for LAMA2-related muscular dystrophy. Last evaluated: 2024-05-22. Review status: criteria provided, single submitter. Criteria: LabCorp Variant Classification Summary - May 2015. Collection method: clinical testing. Allele origin: germline.
Comment: Variant summary: LAMA2 c.2749+1G>C is located in a canonical splice-site and is predicted to affect mRNA splicing resulting in a significantly altered protein due to either exon skipping, shortening, or inclusion of intronic material. Several computational tools predict a significant impact on normal splicing: Four predict the variant abolishes a 5' splicing donor site. However, these predictions have yet to be confirmed by functional studies. The variant was absent in 1612800 control chromosomes. c.2749+1G>C has been reported in the literature in the homozygous state in an individual affected with Laminin Alpha 2-Related Dystrophy (Chakravorty_2020). These data indicate that the variant is likely to be associated with disease. To our knowledge, no experimental evidence demonstrating an impact on protein function has been reported. The following publication has been ascertained in the context of this evaluation (PMID: 33250842). ClinVar contains an entry for this variant (Variation ID: 194920). Based on the evidence outlined above, the variant was classified as likely pathogenic.

Labcorp Genetics (formerly Invitae), Labcorp
Classification: Pathogenic for LAMA2-related muscular dystrophy. Last evaluated: 2022-02-24. Review status: criteria provided, single submitter. Criteria: Invitae Variant Classification Sherloc (09022015). Collection method: clinical testing. Allele origin: germline.
Comment: ClinVar contains an entry for this variant (Variation ID: 194920). For these reasons, this variant has been classified as Pathogenic. Algorithms developed to predict the effect of sequence changes on RNA splicing suggest that this variant may disrupt the consensus splice site. Disruption of this splice site has been observed in individuals with clinical features of congenital muscular dystrophy (PMID: 21922472, 24225367). It has also been observed to segregate with disease in related individuals. This variant is not present in population databases (gnomAD no frequency). This sequence change affects a donor splice site in intron 19 of the LAMA2 gene. It is expected to disrupt RNA splicing. Variants that disrupt the donor or acceptor splice site typically lead to a loss of protein function (PMID: 16199547), and loss-of-function variants in LAMA2 are known to be pathogenic (PMID: 18700894, 32904964).

Revvity Omics, Revvity
Classification: Pathogenic. Last evaluated: 2019-09-30. Review status: criteria provided, single submitter. Criteria: ACMG Guidelines, 2015. Collection method: clinical testing. Allele origin: germline.

Eurofins Ntd Llc (ga)
Classification: Pathogenic. Last evaluated: 2015-04-17. Review status: criteria provided, single submitter. Criteria: EGL Classification Definitions 2015. Collection method: clinical testing. Allele origin: germline. Observed: 1 variant allele, 1 heterozygote.

Counsyl
Classification: Likely pathogenic for Merosin deficient congenital muscular dystrophy. Last evaluated: 2017-11-21. Review status: no assertion criteria provided. Collection method: clinical testing. Allele origin: unknown. Not counted in ClinVar's aggregate classification.

Literature cited by the submitters: PubMed 33250842 (cited by Women's Health and Genetics/Laboratory Corporation of America, LabCorp); PubMed 21922472 (cited by Labcorp Genetics (formerly Invitae), Labcorp); PubMed 24225367 (cited by Labcorp Genetics (formerly Invitae), Labcorp); PubMed 16199547 (cited by Labcorp Genetics (formerly Invitae), Labcorp); PubMed 18700894 (cited by Labcorp Genetics (formerly Invitae), Labcorp); PubMed 32904964 (cited by Labcorp Genetics (formerly Invitae), Labcorp).